The following is an entry in ClinVar:

ClinVar aggregate classification (germline): Uncertain significance (1 of 4 stars; one submission).

Submission:

Ambry Genetics
Classification: Uncertain significance. Last evaluated: 2026-05-02. Review status: criteria provided, single submitter. Criteria: Ambry Variant Classification Scheme 2023. Collection method: clinical testing. Allele origin: germline.
Comment: The p.S38R variant (also known as c.114C>G), located in coding exon 1 of the EGLN1 gene, results from a C to G substitution at nucleotide position 114. The serine at codon 38 is replaced by arginine, an amino acid with dissimilar properties. This amino acid position is conserved. In addition, the in silico prediction for this alteration is inconclusive. Based on the available evidence, the clinical significance of this variant remains unclear.

NM_022051.3(EGLN1):c.114C>G (p.Ser38Arg)

Gene: EGLN1 (egl-9 family hypoxia inducible factor 1; minus strand). Cytogenetic location: 1q42.2.
Variant type: single nucleotide variant.
Coding change: c.114C>G on transcript NM_022051.3 (MANE Select); coding-DNA position 114, C replaced by G.
Protein change: p.Ser38Arg; replaces serine 38 with arginine.
Molecular consequence: missense variant.
Genome position (GRCh38, 1-based): chr1:231,421,775, G>C on the plus strand (C>G on the coding strand, the complement: EGLN1 is on the minus strand). VCF-style: chr1-231421775-G-C. GRCh37 (hg19) VCF-style: chr1-231557521-G-C.
Other names: c.114C>G, p.Ser38Arg (NM_001377260.1, NM_001377261.1); short protein forms S38R.
Identifiers: ClinVar variation 4870319 (VCV004870319.1).